The following is an entry in ClinVar:

NM_001035.3(RYR2):c.9646G>A (p.Glu3216Lys)

Gene: RYR2 (ryanodine receptor 2; plus strand). Cytogenetic location: 1q43.
Variant type: single nucleotide variant.
Coding change: c.9646G>A on transcript NM_001035.3 (MANE Select); coding-DNA position 9646, G replaced by A.
Protein change: p.Glu3216Lys; replaces glutamic acid 3216 with lysine.
Molecular consequence: missense variant.
Genome position (GRCh38, 1-based): chr1:237,707,014, G>A. VCF-style: chr1-237707014-G-A. GRCh37 (hg19) VCF-style: chr1-237870314-G-A.
Other names: short protein forms E3216K.
Identifiers: ClinVar variation 874639 (VCV000874639.4), dbSNP rs760965671, ClinGen allele CA087938.

ClinVar aggregate classification (germline): Conflicting classifications of pathogenicity. Review status: criteria provided, conflicting classifications (1 of 4 stars). 2 submissions from 1 submitter: Uncertain significance (1); Benign (1). Last evaluated 2018-03-23.

Conditions:
Arrhythmogenic right ventricular dysplasia 2. Identifiers: MedGen C1832931.
Catecholaminergic polymorphic ventricular tachycardia 1. Also called: RYR2-Related Catecholaminergic Polymorphic Ventricular Tachycardia; VENTRICULAR TACHYCARDIA, CATECHOLAMINERGIC POLYMORPHIC, 1, WITH OR WITHOUT ATRIAL DYSFUNCTION AND/OR DILATED CARDIOMYOPATHY; VENTRICULAR TACHYCARDIA, STRESS-INDUCED POLYMORPHIC 1. Identifiers: Orphanet 3286, MedGen C1631597, MONDO:0011484, OMIM 604772.

Allele frequency attached by ClinVar (database versions not stated): gnomAD exomes below 0.00001 and 0.00001; ExAC 0.00002.
gnomAD v4.1: 2 of 1,613,912 alleles (0.00012%); highest among the groups gnomAD compares: East Asian, 0.0045%; no homozygotes.

Submissions (2):

Illumina Laboratory Services, Illumina
Classification: Uncertain significance for Catecholaminergic polymorphic ventricular tachycardia 1. Last evaluated: 2018-03-23. Review status: criteria provided, single submitter. Criteria: ICSL Variant Classification Criteria 13 December 2019. Collection method: clinical testing. Allele origin: germline.

Illumina Laboratory Services, Illumina
Classification: Benign for Catecholaminergic polymorphic ventricular tachycardia 1. Last evaluated: 2018-03-20. Review status: criteria provided, single submitter. Criteria: ICSL Variant Classification Criteria 13 December 2019. Collection method: clinical testing. Allele origin: germline.
Comment: This variant was observed in the ICSL laboratory as part of a predisposition screen in an ostensibly healthy population. It had not been previously curated by ICSL or reported in the Human Gene Mutation Database (HGMD: prior to June 1st, 2018), and was therefore a candidate for classification through an automated scoring system. Utilizing variant allele frequency, disease prevalence and penetrance estimates, and inheritance mode, an automated score was calculated to assess if this variant is too frequent to cause the disease. Based on the score and internal cut-off values, a variant classified as benign is not then subjected to further curation. The score for this variant resulted in a classification of benign for this disease.